The following is an entry in ClinVar:

NM_016123.4(IRAK4):c.833A>T (p.Asp278Val)

Gene: IRAK4 (interleukin 1 receptor associated kinase 4; plus strand). Cytogenetic location: 12q12.
Variant type: single nucleotide variant.
Coding change: c.833A>T on transcript NM_016123.4 (MANE Select); coding-DNA position 833, A replaced by T.
Protein change: p.Asp278Val; replaces aspartic acid 278 with valine.
Molecular consequence: missense variant.
Genome position (GRCh38, 1-based): chr12:43,778,194, A>T. VCF-style: chr12-43778194-A-T. GRCh37 (hg19) VCF-style: chr12-44171997-A-T.
Other names: c.833A>T, p.Asp278Val (NM_001114182.3, NM_001351345.2); c.461A>T, p.Asp154Val (NM_001145256.2, NM_001145257.2, NM_001145258.2 and 5 more transcripts); c.224A>T, p.Asp75Val (NM_001351343.2, NM_001351344.2); short protein forms D278V, D75V, D154V.
Identifiers: ClinVar variation 1437412 (VCV001437412.8), dbSNP rs780005506, ClinGen allele CA6522509.

ClinVar aggregate classification (germline): Uncertain significance (1 of 4 stars; one submission).

Conditions:
Immunodeficiency 67. Also called: Immunodeficiency due to interleukin-1 receptor-associated kinase-4 deficiency. Identifiers: Orphanet 70592, MedGen C1843256, MONDO:0011888, OMIM 607676.

Allele frequency attached by ClinVar (database versions not stated): TOPMed 0.00001.
gnomAD v4.1: 30 of 1,562,346 alleles (0.0019%); highest among the groups gnomAD compares: South Asian, 0.019%; 1 homozygote.

Submission:

Labcorp Genetics (formerly Invitae), Labcorp
Classification: Uncertain significance for Immunodeficiency 67. Last evaluated: 2021-02-02. Review status: criteria provided, single submitter. Criteria: Invitae Variant Classification Sherloc (09022015). Collection method: clinical testing. Allele origin: germline.
Comment: This sequence change replaces aspartic acid with valine at codon 278 of the IRAK4 protein (p.Asp278Val). The aspartic acid residue is weakly conserved and there is a large physicochemical difference between aspartic acid and valine. This variant is present in population databases (rs780005506, ExAC 0.02%). This variant has not been reported in the literature in individuals with IRAK4-related conditions. Algorithms developed to predict the effect of missense changes on protein structure and function are either unavailable or do not agree on the potential impact of this missense change (SIFT: "Tolerated"; PolyPhen-2: "Possibly Damaging"; Align-GVGD: "Class C0"). Algorithms developed to predict the effect of sequence changes on RNA splicing suggest that this variant may create or strengthen a splice site, but this prediction has not been confirmed by published transcriptional studies. In summary, the available evidence is currently insufficient to determine the role of this variant in disease. Therefore, it has been classified as a Variant of Uncertain Significance.